The following is an entry in ClinVar:

ClinVar aggregate classification (germline): Uncertain significance (1 of 4 stars; one submission).

Submission:

Women's Health and Genetics/Laboratory Corporation of America, LabCorp
Classification: Uncertain significance. Last evaluated: 2025-01-22. Review status: criteria provided, single submitter. Criteria: LabCorp Variant Classification Summary - May 2015. Collection method: clinical testing. Allele origin: germline.
Comment: Variant summary: CASR c.2548G>C (p.Ala850Pro) results in a non-conservative amino acid change located in the GPCR family 3, C-terminal domain (IPR017978) of the encoded protein sequence. Five of five in-silico tools predict a damaging effect of the variant on protein function. The variant was absent in 250810 control chromosomes. The available data on variant occurrences in the general population are insufficient to allow any conclusion about variant significance. To our knowledge, no occurrence of c.2548G>C in individuals affected with Autosomal Dominant Hypocalcemia or other CASR-related disorders and no experimental evidence demonstrating its impact on protein function have been reported. No submitters have cited clinical-significance assessments for this variant to ClinVar. Based on the evidence outlined above, the variant was classified as uncertain significance.

NM_000388.4(CASR):c.2548G>C (p.Ala850Pro)

Gene: CASR (calcium sensing receptor; plus strand). Cytogenetic location: 3q21.1.
Variant type: single nucleotide variant.
Coding change: c.2548G>C on transcript NM_000388.4 (MANE Select); coding-DNA position 2548, G replaced by C.
Protein change: p.Ala850Pro; replaces alanine 850 with proline.
Molecular consequence: missense variant.
Genome position (GRCh38, 1-based): chr3:122,284,502, G>C. VCF-style: chr3-122284502-G-C. GRCh37 (hg19) VCF-style: chr3-122003349-G-C.
Other names: c.2578G>C, p.Ala860Pro (NM_001178065.2); short protein forms A850P, A860P.
Identifiers: ClinVar variation 3769486 (VCV003769486.2).